The following is an entry in ClinVar:

NM_001378418.1(TCF20):c.5631A>G (p.Glu1877=)

Gene: TCF20 (transcription factor 20; minus strand). Cytogenetic location: 22q13.2.
Variant type: single nucleotide variant.
Coding change: c.5631A>G on transcript NM_001378418.1 (MANE Select); coding-DNA position 5631, A replaced by G.
Protein change: p.Glu1877=; no amino-acid change (glutamic acid 1877 retained).
Molecular consequence: synonymous variant.
Genome position (GRCh38, 1-based): chr22:42,209,675, T>C on the plus strand (A>G on the coding strand, the complement: TCF20 is on the minus strand). VCF-style: chr22-42209675-T-C. GRCh37 (hg19) VCF-style: chr22-42605681-T-C.
Other names: c.5631A>G, p.Glu1877= (NM_005650.4, NM_181492.3).
Identifiers: ClinVar variation 2653245 (VCV002653245.27), dbSNP rs774351728, ClinGen allele CA10266441.

ClinVar aggregate classification (germline): Likely benign. Review status: criteria provided, multiple submitters, no conflicts (2 of 4 stars). 2 submissions from 2 submitters: Likely benign (2). Last evaluated 2025-11-10.

Allele frequency attached by ClinVar (database versions not stated): ExAC 0.00001; gnomAD exomes 0.00002; gnomAD 0.00005; TOPMed 0.00005.
gnomAD v4.1: 31 of 1,611,242 alleles (0.0019%); highest among the groups gnomAD compares: Non-Finnish European, 0.0025%; no homozygotes.

Submissions (2):

Labcorp Genetics (formerly Invitae), Labcorp
Classification: Likely benign. Last evaluated: 2025-11-10. Review status: criteria provided, single submitter. Criteria: Invitae Variant Classification Sherloc (09022015). Collection method: clinical testing. Allele origin: germline.

CeGaT Center for Human Genetics Tuebingen
Classification: Likely benign. Last evaluated: 2022-04-01. Review status: criteria provided, single submitter. Criteria: CeGaT Center For Human Genetics Tuebingen Variant Classification Criteria Version 2. Collection method: clinical testing. Allele origin: germline. Affected: yes. Observed: 1 variant allele.
Comment: TCF20: BP4, BS2